The following is an entry in ClinVar:

NM_000059.4(BRCA2):c.631+981C>T

Gene: BRCA2 (BRCA2 DNA repair associated; plus strand). Cytogenetic location: 13q13.1.
Variant type: single nucleotide variant.
Coding change: c.631+981C>T on transcript NM_000059.4 (MANE Select); 981 bases into the intron after coding-DNA position 631, C replaced by T.
Molecular consequence: intron variant.
Genome position (GRCh38, 1-based): chr13:32,327,594, C>T. VCF-style: chr13-32327594-C-T. GRCh37 (hg19) VCF-style: chr13-32901731-C-T.
Other names: IVS 7+981C>T.
Identifiers: ClinVar variation 209656 (VCV000209656.1), dbSNP rs189044716, ClinGen allele CA276625.

ClinVar aggregate classification (germline): Benign (3 of 4 stars; one submission).

Conditions:
Breast-ovarian cancer, familial, susceptibility to, 2 (BROVCA2). Also called: BRCA2 Hereditary Breast and Ovarian Cancer. Identifiers: Orphanet 145, MedGen C2675520, MONDO:0012933, OMIM 612555. Disease mechanism: loss of function.

Allele frequency attached by ClinVar (database versions not stated): 1000 Genomes Project 0.00140; 1000 Genomes Project 30x 0.00141; gnomAD 0.00187 and 0.00200; TOPMed 0.00219.
gnomAD v4.1: 281 of 150,598 alleles (0.19%); highest among the groups gnomAD compares: Middle Eastern, 1.4%; 1 homozygote.

Submission:

Evidence-based Network for the Interpretation of Germline Mutant Alleles (ENIGMA)
Classification: Benign for Breast-ovarian cancer, familial 2. Last evaluated: 2015-01-12. Review status: reviewed by expert panel. Criteria: ENIGMA BRCA1/2 Classification Criteria (2015). Collection method: curation. Allele origin: germline.
Comment: Class 1 not pathogenic based on frequency >1% in an outbred sampleset. Frequency 0.01829 (African), derived from 1000 genomes (2012-04-30).